The following is an entry in ClinVar:

ClinVar aggregate classification (germline): Uncertain significance. Review status: criteria provided, multiple submitters, no conflicts (2 of 4 stars). 3 submissions from 3 submitters: Uncertain significance (3). Last evaluated 2023-05-01.

Allele frequency attached by ClinVar (database versions not stated): gnomAD 0.00002; TOPMed 0.00002; ExAC 0.00003; gnomAD exomes 0.00004.
gnomAD v4.1: 58 of 1,613,276 alleles (0.0036%); highest among the groups gnomAD compares: East Asian, 0.022%; no homozygotes.

Submissions (3):

CeGaT Center for Human Genetics Tuebingen
Classification: Uncertain significance. Last evaluated: 2023-05-01. Review status: criteria provided, single submitter. Criteria: CeGaT Center For Human Genetics Tuebingen Variant Classification Criteria Version 2. Collection method: clinical testing. Allele origin: germline. Affected: yes. Observed: 1 variant allele.
Comment: EPS8L2: PM2

Blueprint Genetics
Classification: Uncertain significance. Last evaluated: 2022-02-24. Review status: criteria provided, single submitter. Criteria: ACMG Guidelines, 2015. Collection method: clinical testing. Allele origin: germline.

Ambry Genetics
Classification: Uncertain significance. Last evaluated: 2021-07-20. Review status: criteria provided, single submitter. Criteria: Ambry Variant Classification Scheme 2023. Collection method: clinical testing. Allele origin: germline.

NM_022772.4(EPS8L2):c.1093C>T (p.Arg365Cys)

Gene: EPS8L2 (EPS8 signaling adaptor L2; plus strand). Cytogenetic location: 11p15.5.
Variant type: single nucleotide variant.
Coding change: c.1093C>T on transcript NM_022772.4 (MANE Select); coding-DNA position 1093, C replaced by T.
Protein change: p.Arg365Cys; replaces arginine 365 with cysteine.
Molecular consequence: missense variant.
Genome position (GRCh38, 1-based): chr11:722,434, C>T. VCF-style: chr11-722434-C-T. GRCh37 (hg19) VCF-style: chr11-722434-C-T.
Other names: short protein forms R365C.
Identifiers: ClinVar variation 2402234 (VCV002402234.27), dbSNP rs746329487, ClinGen allele CA5787500.